The following is an entry in ClinVar:

ClinVar aggregate classification (germline): Uncertain significance (1 of 4 stars; one submission).

Allele frequency attached by ClinVar (database versions not stated): TOPMed 0.00001.
gnomAD v4.1: 2 of 1,576,150 alleles (0.00013%); highest among the groups gnomAD compares: Non-Finnish European, 0.00017%; no homozygotes.

Submission:

Labcorp Genetics (formerly Invitae), Labcorp
Classification: Uncertain significance. Last evaluated: 2024-05-30. Review status: criteria provided, single submitter. Criteria: Invitae Variant Classification Sherloc (09022015). Collection method: clinical testing. Allele origin: germline.
Comment: This sequence change affects codon 661 of the PTPN4 mRNA. It is a 'silent' change, meaning that it does not change the encoded amino acid sequence of the PTPN4 protein. This variant is not present in population databases (gnomAD no frequency). This variant has not been reported in the literature in individuals affected with PTPN4-related conditions. Algorithms developed to predict the effect of sequence changes on RNA splicing suggest that this variant may create or strengthen a splice site. In summary, the available evidence is currently insufficient to determine the role of this variant in disease. Therefore, it has been classified as a Variant of Uncertain Significance.

NM_002830.4(PTPN4):c.1983A>G (p.Gln661=)

Gene: PTPN4 (protein tyrosine phosphatase non-receptor type 4; plus strand). Cytogenetic location: 2q14.2.
Variant type: single nucleotide variant.
Coding change: c.1983A>G on transcript NM_002830.4 (MANE Select); coding-DNA position 1983, A replaced by G.
Protein change: p.Gln661=; no amino-acid change (glutamine 661 retained).
Molecular consequence: synonymous variant.
Genome position (GRCh38, 1-based): chr2:119,956,846, A>G. VCF-style: chr2-119956846-A-G. GRCh37 (hg19) VCF-style: chr2-120714422-A-G.
Identifiers: ClinVar variation 2854924 (VCV002854924.3), dbSNP rs1257783620, ClinGen allele CA428220459.